The following is an entry in ClinVar:

ClinVar aggregate classification (germline): Conflicting classifications of pathogenicity. Review status: criteria provided, conflicting classifications (1 of 4 stars). 4 submissions from 4 submitters: Likely pathogenic (2); Uncertain significance (1). 1 of the submissions does not count toward it. Last evaluated 2024-02-15.

Conditions:
Diffuse cerebral and cerebellar atrophy - intractable seizures - progressive microcephaly syndrome. Also called: Microcephaly, progressive, with seizures and cerebral and cerebellar atrophy. Identifiers: Orphanet 404437, MedGen C4014239, MONDO:0014335, OMIM 615760.

Allele frequency attached by ClinVar (database versions not stated): ExAC 0.00001; gnomAD 0.00001; gnomAD exomes 0.00001; TOPMed 0.00002.

Submissions (4):

Women's Health and Genetics/Laboratory Corporation of America, LabCorp
Classification: Likely pathogenic for Diffuse cerebral and cerebellar atrophy - intractable seizures - progressive microcephaly syndrome. Last evaluated: 2024-02-15. Review status: criteria provided, single submitter. Criteria: LabCorp Variant Classification Summary - May 2015. Collection method: clinical testing. Allele origin: germline.
Comment: Variant summary: QARS1 c.1207C>T (p.Arg403Trp) results in a non-conservative amino acid change located in the Glutamyl/glutaminyl-tRNA synthetase, class Ib, catalytic domain (IPR020058) of the encoded protein sequence. Five of five in-silico tools predict a damaging effect of the variant on protein function. The variant allele was found at a frequency of 9.3e-06 in 1614094 control chromosomes (gnomAD). c.1207C>T has been reported in the literature in individuals affected with progressive microcephaly with seizures (Zhang_2014) and early-onset epileptic encephalopathies (Kodera_2015). These data indicate that the variant may be associated with disease. Experimental studies have shown that this missense change affects normal QARS protein function (examples: Zhang_2014, Ognjenovi_2016). The following publications have been ascertained in the context of this evaluation (PMID: 36672771, 25471517, 26869582, 24656866). ClinVar contains an entry for this variant (Variation ID: 127116). Based on the evidence outlined above, the variant was classified as likely pathogenic.

Labcorp Genetics (formerly Invitae), Labcorp
Classification: Uncertain significance for Diffuse cerebral and cerebellar atrophy - intractable seizures - progressive microcephaly syndrome. Last evaluated: 2022-08-15. Review status: criteria provided, single submitter. Criteria: Invitae Variant Classification Sherloc (09022015). Collection method: clinical testing. Allele origin: germline.
Comment: This sequence change replaces arginine, which is basic and polar, with tryptophan, which is neutral and slightly polar, at codon 403 of the QARS protein (p.Arg403Trp). This variant is present in population databases (rs587777332, gnomAD 0.005%). This missense change has been observed in individual(s) with progressive microcephaly with seizures (PMID: 24656866). It has also been observed to segregate with disease in related individuals. ClinVar contains an entry for this variant (Variation ID: 127116). Algorithms developed to predict the effect of missense changes on protein structure and function are either unavailable or do not agree on the potential impact of this missense change (SIFT: "Deleterious"; PolyPhen-2: "Probably Damaging"; Align-GVGD: "Class C15"). Experimental studies have shown that this missense change affects QARS function (PMID: 24656866, 26869582). In summary, the available evidence is currently insufficient to determine the role of this variant in disease. Therefore, it has been classified as a Variant of Uncertain Significance.

Institute of Human Genetics, University of Leipzig Medical Center
Classification: Likely pathogenic for Diffuse cerebral and cerebellar atrophy - intractable seizures - progressive microcephaly syndrome. Last evaluated: 2019-01-01. Review status: criteria provided, single submitter. Criteria: ACMG Guidelines, 2015. Collection method: clinical testing. Allele origin: unknown. Affected: yes.
Comment: This variant was identified as compound heterozygous.

OMIM
Classification: Pathogenic for MICROCEPHALY, PROGRESSIVE, WITH SEIZURES AND CEREBRAL AND CEREBELLAR ATROPHY. Last evaluated: 2014-04-03. Review status: no assertion criteria provided. Collection method: literature only. Allele origin: germline. Not counted in ClinVar's aggregate classification.

Literature cited by the submitters: PubMed 36672771 (cited by Women's Health and Genetics/Laboratory Corporation of America, LabCorp); PubMed 25471517 (cited by Women's Health and Genetics/Laboratory Corporation of America, LabCorp); PubMed 26869582 (cited by Women's Health and Genetics/Laboratory Corporation of America, LabCorp and Labcorp Genetics (formerly Invitae), Labcorp); PubMed 24656866 (cited by 3 submitters).

NM_005051.3(QARS1):c.1207C>T (p.Arg403Trp)

Gene: QARS1 (glutaminyl-tRNA synthetase 1; minus strand). Cytogenetic location: 3p21.31.
Variant type: single nucleotide variant.
Coding change: c.1207C>T on transcript NM_005051.3 (MANE Select); coding-DNA position 1207, C replaced by T.
Protein change: p.Arg403Trp; replaces arginine 403 with tryptophan.
Molecular consequence: missense variant. On other transcripts: non-coding transcript variant (1).
Genome position (GRCh38, 1-based): chr3:49,100,049, G>A on the plus strand (C>T on the coding strand, the complement: QARS1 is on the minus strand). VCF-style: chr3-49100049-G-A. GRCh37 (hg19) VCF-style: chr3-49137482-G-A.
Other names: c.1174C>T, p.Arg392Trp (NM_001272073.2); short protein forms R403W, R392W.
Identifiers: ClinVar variation 127116 (VCV000127116.10), dbSNP rs587777332, ClinGen allele CA214474.